The following is an entry in ClinVar:

NM_015047.3(EMC1):c.929T>C (p.Leu310Pro)

Genes: EMC1 (ER membrane protein complex subunit 1; minus strand), EMC1-AS1 (EMC1 antisense RNA 1; plus strand). Cytogenetic location: 1p36.13.
Variant type: single nucleotide variant.
Coding change: c.929T>C on transcript NM_015047.3 (MANE Select); coding-DNA position 929, T replaced by C.
Protein change: p.Leu310Pro; replaces leucine 310 with proline.
Molecular consequence: missense variant.
Genome position (GRCh38, 1-based): chr1:19,239,843, A>G on the plus strand (T>C on the coding strand, the complement: EMC1 is on the minus strand). VCF-style: chr1-19239843-A-G. GRCh37 (hg19) VCF-style: chr1-19566337-A-G.
Other names: c.929T>C, p.Leu310Pro (NM_001271428.2, NM_001375820.1, NM_001375821.1 and 1 more transcripts); c.863T>C, p.Leu288Pro (NM_001271429.2); short protein forms L288P, L310P.
Identifiers: ClinVar variation 2699990 (VCV002699990.3), dbSNP rs781444228, ClinGen allele CA652752.
Genomic context (GRCh38, chr1:19,239,843, plus strand): 5'-CCTGAATCCTAGCAAACCATGTTGCCTGCAGTTACCTGTGGGAAGTTTTTAAGCAAACTC[A>G]GCGTTCCATAATGGTACTGCAGCAGAGCATAGTGGCTTGGGGACAAGTGCAGGAAGAACT-3'
Protein context (NP_055862.1, residues 300-320): YALLQYHYGT[Leu310Pro]SLLKNFPQTA

ClinVar aggregate classification (germline): Uncertain significance (1 of 4 stars; one submission).

Allele frequency attached by ClinVar (database versions not stated): gnomAD exomes below 0.00001; TOPMed below 0.00001; gnomAD 0.00001; ExAC 0.00002.

Submission:

Labcorp Genetics (formerly Invitae), Labcorp
Classification: Uncertain significance. Last evaluated: 2023-12-01. Review status: criteria provided, single submitter. Criteria: Invitae Variant Classification Sherloc (09022015). Collection method: clinical testing. Allele origin: germline.
Comment: This sequence change replaces leucine, which is neutral and non-polar, with proline, which is neutral and non-polar, at codon 310 of the EMC1 protein (p.Leu310Pro). This variant is present in population databases (rs781444228, gnomAD 0.002%). This variant has not been reported in the literature in individuals affected with EMC1-related conditions. Advanced modeling of protein sequence and biophysical properties (such as structural, functional, and spatial information, amino acid conservation, physicochemical variation, residue mobility, and thermodynamic stability) performed at Invitae indicates that this missense variant is not expected to disrupt EMC1 protein function with a negative predictive value of 80%. In summary, the available evidence is currently insufficient to determine the role of this variant in disease. Therefore, it has been classified as a Variant of Uncertain Significance.